The following is an entry in ClinVar:

ClinVar aggregate classification (germline): Uncertain significance (1 of 4 stars; one submission).

Conditions:
Alstrom syndrome (ALMS). Identifiers: Orphanet 64, MedGen C0268425, MONDO:0008763, OMIM 203800.

Allele frequency attached by ClinVar (database versions not stated): ExAC 0.00001.

Submission:

Labcorp Genetics (formerly Invitae), Labcorp
Classification: Uncertain significance for Alstrom syndrome. Last evaluated: 2025-01-13. Review status: criteria provided, single submitter. Criteria: Invitae Variant Classification Sherloc (09022015). Collection method: clinical testing. Allele origin: germline.
Comment: This sequence change replaces tyrosine, which is neutral and polar, with cysteine, which is neutral and slightly polar, at codon 4017 of the ALMS1 protein (p.Tyr4017Cys). This variant is present in population databases (rs80139515, gnomAD 0.006%). This variant has not been reported in the literature in individuals affected with ALMS1-related conditions. ClinVar contains an entry for this variant (Variation ID: 2182513). An algorithm developed to predict the effect of missense changes on protein structure and function outputs the following: PolyPhen-2: "Not Available". The cysteine amino acid residue is found in multiple mammalian species, which suggests that this missense change does not adversely affect protein function. In summary, the available evidence is currently insufficient to determine the role of this variant in disease. Therefore, it has been classified as a Variant of Uncertain Significance.

NM_001378454.1(ALMS1):c.12047A>G (p.Tyr4016Cys)

Genes: ALMS1 (ALMS1 centrosome and basal body associated protein; plus strand), LOC126806252 (BRD4-independent group 4 enhancer GRCh37_chr2:73828496-73829695; plus strand). Cytogenetic location: 2p13.1.
Variant type: single nucleotide variant.
Coding change: c.12047A>G on transcript NM_001378454.1 (MANE Select); coding-DNA position 12047, A replaced by G.
Protein change: p.Tyr4016Cys; replaces tyrosine 4016 with cysteine.
Molecular consequence: missense variant.
Genome position (GRCh38, 1-based): chr2:73,601,369, A>G. VCF-style: chr2-73601369-A-G. GRCh37 (hg19) VCF-style: chr2-73828496-A-G.
Other names: c.12050A>G, p.Tyr4017Cys (NM_015120.4); short protein forms Y4016C, Y4017C.
Identifiers: ClinVar variation 2182513 (VCV002182513.3), dbSNP rs80139515, ClinGen allele CA1715412.